The following is an entry in ClinVar:

NM_003738.5(PTCH2):c.1840G>T (p.Val614Phe)

Gene: PTCH2 (patched 2; minus strand). Cytogenetic location: 1p34.1.
Variant type: single nucleotide variant.
Coding change: c.1840G>T on transcript NM_003738.5 (MANE Select); coding-DNA position 1840, G replaced by T.
Protein change: p.Val614Phe; replaces valine 614 with phenylalanine.
Molecular consequence: missense variant.
Genome position (GRCh38, 1-based): chr1:44,828,061, C>A on the plus strand (G>T on the coding strand, the complement: PTCH2 is on the minus strand). VCF-style: chr1-44828061-C-A. GRCh37 (hg19) VCF-style: chr1-45293733-C-A.
Other names: c.1840G>T, p.Val614Phe (NM_001166292.2); short protein forms V614F.
Identifiers: ClinVar variation 1006579 (VCV001006579.9), dbSNP rs1653244164, ClinGen allele CA340099111.

ClinVar aggregate classification (germline): Uncertain significance (1 of 4 stars; one submission).

Conditions:
Gorlin syndrome. Also called: Nevoid Basal Cell Carcinoma Syndrome; Basal cell nevus syndrome. Identifiers: Orphanet 377, MedGen C0004779, MONDO:0007187.

Submission:

Labcorp Genetics (formerly Invitae), Labcorp
Classification: Uncertain significance for Gorlin syndrome. Last evaluated: 2020-10-29. Review status: criteria provided, single submitter. Criteria: Invitae Variant Classification Sherloc (09022015). Collection method: clinical testing. Allele origin: germline.
Comment: This sequence change replaces valine with phenylalanine at codon 614 of the PTCH2 protein (p.Val614Phe). The valine residue is moderately conserved and there is a small physicochemical difference between valine and phenylalanine. This variant is not present in population databases (ExAC no frequency). This variant has not been reported in the literature in individuals with PTCH2-related conditions. Algorithms developed to predict the effect of missense changes on protein structure and function are either unavailable or do not agree on the potential impact of this missense change (SIFT: "Deleterious"; PolyPhen-2: "Benign"; Align-GVGD: "Class C0"). In summary, the available evidence is currently insufficient to determine the role of this variant in disease. Therefore, it has been classified as a Variant of Uncertain Significance.